The following is an entry in ClinVar:

ClinVar aggregate classification (germline): Uncertain significance. Review status: criteria provided, multiple submitters, no conflicts (2 of 4 stars). 2 submissions from 2 submitters: Uncertain significance (2). Last evaluated 2024-01-28.

Conditions:
Deficiency of acetyl-CoA acetyltransferase. Also called: MITOCHONDRIAL ACETOACETYL-CoA THIOLASE DEFICIENCY; Beta-ketothiolase deficiency; 3-KETOTHIOLASE DEFICIENCY; 3-OXOTHIOLASE DEFICIENCY. Identifiers: Orphanet 134, MedGen C1536500, MONDO:0008760, OMIM 203750. Disease mechanism: loss of function.

Allele frequency attached by ClinVar (database versions not stated): TOPMed 0.00001; gnomAD exomes 0.00004.
gnomAD v4.1: 57 of 1,614,044 alleles (0.0035%); highest among the groups gnomAD compares: Non-Finnish European, 0.0047%; no homozygotes.

Submissions (2):

Women's Health and Genetics/Laboratory Corporation of America, LabCorp
Classification: Uncertain significance. Last evaluated: 2024-01-28. Review status: criteria provided, single submitter. Criteria: LabCorp Variant Classification Summary - May 2015. Collection method: clinical testing. Allele origin: germline.

Labcorp Genetics (formerly Invitae), Labcorp
Classification: Uncertain significance for Deficiency of acetyl-CoA acetyltransferase. Last evaluated: 2022-08-09. Review status: criteria provided, single submitter. Criteria: Invitae Variant Classification Sherloc (09022015). Collection method: clinical testing. Allele origin: germline.
Comment: This sequence change falls in intron 7 of the ACAT1 gene. It does not directly change the encoded amino acid sequence of the ACAT1 protein. It affects a nucleotide within the consensus splice site. This variant is present in population databases (no rsID available, gnomAD 0.0009%). This variant has not been reported in the literature in individuals affected with ACAT1-related conditions. Variants that disrupt the consensus splice site are a relatively common cause of aberrant splicing (PMID: 17576681, 9536098). Algorithms developed to predict the effect of sequence changes on RNA splicing suggest that this variant is not likely to affect RNA splicing. In summary, the available evidence is currently insufficient to determine the role of this variant in disease. Therefore, it has been classified as a Variant of Uncertain Significance.

Literature cited by the submitters: PubMed 17576681 (cited by Labcorp Genetics (formerly Invitae), Labcorp); PubMed 9536098 (cited by Labcorp Genetics (formerly Invitae), Labcorp).

NM_000019.4(ACAT1):c.730+6G>C

Gene: ACAT1 (acetyl-CoA acetyltransferase 1; plus strand). Cytogenetic location: 11q22.3.
Variant type: single nucleotide variant.
Coding change: c.730+6G>C on transcript NM_000019.4 (MANE Select); 6 bases into the intron after coding-DNA position 730, G replaced by C.
Molecular consequence: intron variant.
Genome position (GRCh38, 1-based): chr11:108,140,221, G>C. VCF-style: chr11-108140221-G-C. GRCh37 (hg19) VCF-style: chr11-108010948-G-C.
Other names: c.460+6G>C (NM_001386682.1, NM_001386681.1, NM_001386685.1 and 6 more transcripts); c.730+6G>C (NM_001386677.1); c.433+6G>C (NM_001386679.1); c.415+6G>C (NM_001386678.1).
Identifiers: ClinVar variation 2167736 (VCV002167736.2), dbSNP rs1298823697, ClinGen allele CA601691873.
Genomic context (GRCh38, chr11:108,140,221, plus strand): 5'-TGGGAAGCTGGGAAATTTGGAAATGAAGTTATTCCTGTCACAGTTACAGTAAAAGGTAGA[G>C]ATAATGTTCCAAAAAGGATGAATAGACTTTTCATGTTGCTGAATGTTTTATGCTTAAGTT-3'